The following is an entry in ClinVar:

NM_004385.5(VCAN):c.4886A>G (p.Glu1629Gly)

Genes: VCAN (versican; plus strand), VCAN-AS1 (VCAN antisense RNA 1; minus strand). Cytogenetic location: 5q14.3.
Variant type: single nucleotide variant.
Coding change: c.4886A>G on transcript NM_004385.5 (MANE Select); coding-DNA position 4886, A replaced by G.
Protein change: p.Glu1629Gly; replaces glutamic acid 1629 with glycine.
Molecular consequence: missense variant. On other transcripts: intron variant (2).
Genome position (GRCh38, 1-based): chr5:83,537,889, A>G. VCF-style: chr5-83537889-A-G. GRCh37 (hg19) VCF-style: chr5-82833708-A-G.
Other names: c.1925A>G, p.Glu642Gly (NM_001164097.2); c.4004-7648A>G (NM_001164098.2); c.1043-7648A>G (NM_001126336.3); short protein forms E1629G, E642G.
Identifiers: ClinVar variation 3467758 (VCV003467758.2).

ClinVar aggregate classification (germline): Uncertain significance. Review status: criteria provided, multiple submitters, no conflicts (2 of 4 stars). 2 submissions from 2 submitters: Uncertain significance (2). Last evaluated 2025-11-25.

Conditions:
Inborn genetic diseases. Identifiers: MedGen C0950123, MeSH D030342.

gnomAD v4.1: 10 of 1,614,002 alleles (0.00062%); highest among the groups gnomAD compares: Non-Finnish European, 0.00085%; no homozygotes.

Submissions (2):

Labcorp Genetics (formerly Invitae), Labcorp
Classification: Uncertain significance. Last evaluated: 2025-11-25. Review status: criteria provided, single submitter. Criteria: Invitae Variant Classification Sherloc (09022015). Collection method: clinical testing. Allele origin: germline.
Comment: This sequence change replaces glutamic acid, which is acidic and polar, with glycine, which is neutral and non-polar, at codon 1629 of the VCAN protein (p.Glu1629Gly). This variant is not present in population databases (gnomAD no frequency). This variant has not been reported in the literature in individuals affected with VCAN-related conditions. ClinVar contains an entry for this variant (Variation ID: 3467758). An algorithm developed to predict the effect of missense changes on protein structure and function outputs the following: PolyPhen-2: "Benign". The glycine amino acid residue is found in multiple mammalian species, which suggests that this missense change does not adversely affect protein function. In summary, the available evidence is currently insufficient to determine the role of this variant in disease. Therefore, it has been classified as a Variant of Uncertain Significance.

Ambry Genetics
Classification: Uncertain significance for Inborn genetic diseases. Last evaluated: 2024-08-21. Review status: criteria provided, single submitter. Criteria: Ambry Variant Classification Scheme 2023. Collection method: clinical testing. Allele origin: germline.